The following is an entry in ClinVar:

ClinVar aggregate classification (germline): Uncertain significance. Review status: criteria provided, multiple submitters, no conflicts (2 of 4 stars). 2 submissions from 2 submitters: Uncertain significance (2). Last evaluated 2024-04-20.

Conditions:
Polycystic kidney disease, adult type (PKD1). Also called: POLYCYSTIC KIDNEY DISEASE 1 WITH OR WITHOUT POLYCYSTIC LIVER DISEASE; Polycystic Kidney Disease 1, Autosomal Dominant; Polycystic kidney disease 1; Polycystic kidney disease 1, severe; Polycystic Kidney, Autosomal Dominant; POLYCYSTIC KIDNEY DISEASE, ADULT, TYPE I. Identifiers: MedGen C3149841, MONDO:0008263, OMIM 173900.
PKD1-related disorder. Also called: PKD1-related condition.

Allele frequency attached by ClinVar (database versions not stated): TOPMed below 0.00001; ExAC 0.00001; gnomAD exomes 0.00001.
gnomAD v4.1: 18 of 1,611,568 alleles (0.0011%); highest among the groups gnomAD compares: East Asian, 0.02%; no homozygotes.

Submissions (2):

Fulgent Genetics
Classification: Uncertain significance for Polycystic kidney disease, adult type. Last evaluated: 2024-04-20. Review status: criteria provided, single submitter. Criteria: ACMG Guidelines, 2015. Collection method: clinical testing. Allele origin: germline.

PreventionGenetics, part of Exact Sciences
Classification: Uncertain significance for PKD1-related condition. Last evaluated: 2023-07-14. Review status: criteria provided, single submitter. Criteria: ACMG Guidelines, 2015. Collection method: clinical testing. Allele origin: germline.
Comment: The PKD1 c.3697G>A variant is predicted to result in the amino acid substitution p.Ala1233Thr. To our knowledge, this variant has not been reported in the literature. This variant is reported in 0.0058% of alleles in individuals of Latino descent in gnomAD. At this time, the clinical significance of this variant is uncertain due to the absence of conclusive functional and genetic evidence.

NM_001009944.3(PKD1):c.3697G>A (p.Ala1233Thr)

Gene: PKD1 (polycystin 1, transient receptor potential channel interacting; minus strand). Cytogenetic location: 16p13.3.
Variant type: single nucleotide variant.
Coding change: c.3697G>A on transcript NM_001009944.3 (MANE Select); coding-DNA position 3697, G replaced by A.
Protein change: p.Ala1233Thr; replaces alanine 1233 with threonine.
Molecular consequence: missense variant.
Genome position (GRCh38, 1-based): chr16:2,111,470, C>T on the plus strand (G>A on the coding strand, the complement: PKD1 is on the minus strand). VCF-style: chr16-2111470-C-T. GRCh37 (hg19) VCF-style: chr16-2161471-C-T.
Other names: c.3697G>A, p.Ala1233Thr (NM_000296.4); short protein forms A1233T.
Identifiers: ClinVar variation 2629556 (VCV002629556.2), dbSNP rs752993263, ClinGen allele CA7832668.